The following is an entry in ClinVar:

NM_000207.3(INS):c.212G>T (p.Gly71Val)

Genes: INS (insulin; minus strand), INS-IGF2 (INS-IGF2 readthrough; minus strand). Cytogenetic location: 11p15.5.
Variant type: single nucleotide variant.
Coding change: c.212G>T on transcript NM_000207.3 (MANE Select); coding-DNA position 212, G replaced by T.
Protein change: p.Gly71Val; replaces glycine 71 with valine.
Molecular consequence: missense variant. On other transcripts: intron variant (1).
Genome position (GRCh38, 1-based): chr11:2,159,973, C>A on the plus strand (G>T on the coding strand, the complement: INS is on the minus strand). VCF-style: chr11-2159973-C-A. GRCh37 (hg19) VCF-style: chr11-2181203-C-A.
Other names: c.212G>T, p.Gly71Val (NM_001185097.2, NM_001185098.2, NM_001291897.2); c.187+812G>T (NM_001042376.3); short protein forms G71V.
Identifiers: ClinVar variation 3599475 (VCV003599475.3).

ClinVar aggregate classification (germline): Uncertain significance. Review status: criteria provided, multiple submitters, no conflicts (2 of 4 stars). 2 submissions from 2 submitters: Uncertain significance (2). Last evaluated 2025-01-20.

Conditions:
Type 1 diabetes mellitus 2. Identifiers: MedGen C1852092, MONDO:0007454, OMIM 125852.
Diabetes mellitus, permanent neonatal 4. Also called: INS-Related Permanent Neonatal Diabetes Mellitus. Identifiers: MedGen C5394307, MONDO:0030089, OMIM 618858.
Maturity-onset diabetes of the young type 10. Identifiers: Orphanet 552, MedGen C3150617, MONDO:0013240, OMIM 613370.
Hyperproinsulinemia. Identifiers: MedGen C0342283, MONDO:0014535, OMIM 616214.

gnomAD v4.1: 91 of 1,588,702 alleles (0.0057%); highest among the groups gnomAD compares: Non-Finnish European, 0.0073%; no homozygotes.

Submissions (2):

Labcorp Genetics (formerly Invitae), Labcorp
Classification: Uncertain significance. Last evaluated: 2025-01-20. Review status: criteria provided, single submitter. Criteria: Invitae Variant Classification Sherloc (09022015). Collection method: clinical testing. Allele origin: germline.
Comment: This sequence change replaces glycine, which is neutral and non-polar, with valine, which is neutral and non-polar, at codon 71 of the INS protein (p.Gly71Val). The frequency data for this variant in the population databases is considered unreliable, as metrics indicate poor data quality at this position in the gnomAD database. This variant has not been reported in the literature in individuals affected with INS-related conditions. An algorithm developed to predict the effect of missense changes on protein structure and function (PolyPhen-2) suggests that this variant is likely to be tolerated. In summary, the available evidence is currently insufficient to determine the role of this variant in disease. Therefore, it has been classified as a Variant of Uncertain Significance.

Fulgent Genetics
Classification: Uncertain significance for Type 1 diabetes mellitus 2; Maturity-onset diabetes of the young type 10; Hyperproinsulinemia; Diabetes mellitus, permanent neonatal 4. Last evaluated: 2024-01-04. Review status: criteria provided, single submitter. Criteria: ACMG Guidelines, 2015. Collection method: clinical testing. Allele origin: germline.